The following is an entry in ClinVar:

ClinVar aggregate classification (germline): Likely benign (1 of 4 stars; one submission).

gnomAD v4.1: 90 of 1,271,826 alleles (0.0071%); highest among the groups gnomAD compares: Middle Eastern, 0.021%; no homozygotes.

Submission:

CeGaT Center for Human Genetics Tuebingen
Classification: Likely benign. Last evaluated: 2026-03-01. Review status: criteria provided, single submitter. Criteria: CeGaT Center For Human Genetics Tuebingen Variant Classification Criteria Version 2. Collection method: clinical testing. Allele origin: germline. Affected: yes. Observed: 1 variant allele.
Comment: STAT1: BP4, BP7

NM_007315.4(STAT1):c.2238+81G>A

Gene: STAT1 (signal transducer and activator of transcription 1; minus strand). Cytogenetic location: 2q32.2.
Variant type: single nucleotide variant.
Coding change: c.2238+81G>A on transcript NM_007315.4 (MANE Select); 81 bases into the intron after coding-DNA position 2238, G replaced by A.
Molecular consequence: intron variant.
Genome position (GRCh38, 1-based): chr2:190,974,749, C>T on the plus strand (G>A on the coding strand, the complement: STAT1 is on the minus strand). VCF-style: chr2-190974749-C-T. GRCh37 (hg19) VCF-style: chr2-191839475-C-T.
Other names: c.2238+81G>A (NM_001437284.1); c.2148+81G>A (NM_001384890.1); c.2139+81G>A (NM_001384883.1); c.2079+81G>A (NM_001384885.1); c.2145+81G>A (NM_001384887.1); c.2178+81G>A (NM_001384880.1); c.2208+81G>A (NM_001384888.1); c.2232+81G>A (NM_001384882.1); and 5 more.
Identifiers: ClinVar variation 4822386 (VCV004822386.4).